The following is an entry in ClinVar:

NM_001256071.3(RNF213):c.13498G>A (p.Val4500Ile)

Genes: RNF213 (ring finger protein 213; plus strand), RNF213-AS1 (RNF213 antisense RNA 1; minus strand). Cytogenetic location: 17q25.3.
Variant type: single nucleotide variant.
Coding change: c.13498G>A on transcript NM_001256071.3 (MANE Select); coding-DNA position 13498, G replaced by A.
Protein change: p.Val4500Ile; replaces valine 4500 with isoleucine.
Molecular consequence: missense variant.
Genome position (GRCh38, 1-based): chr17:80,376,951, G>A. VCF-style: chr17-80376951-G-A. GRCh37 (hg19) VCF-style: chr17-78350751-G-A.
Other names: c.13645G>A, p.Val4549Ile (NM_001410195.1, NM_020914.5); short protein forms V4500I, V4549I.
Identifiers: ClinVar variation 5041664 (VCV005041664.1).

ClinVar aggregate classification (germline): Uncertain significance (1 of 4 stars; one submission).

gnomAD v4.1: 3 of 1,613,634 alleles (0.00019%); highest among the groups gnomAD compares: East Asian, 0.0067%; no homozygotes.

Submission:

CeGaT Center for Human Genetics Tuebingen
Classification: Uncertain significance. Last evaluated: 2026-09-01. Review status: criteria provided, single submitter. Criteria: CeGaT Center For Human Genetics Tuebingen Variant Classification Criteria Version 2. Collection method: clinical testing. Allele origin: germline. Affected: yes. Observed: 1 variant allele.
Comment: RNF213: PM2, BP4